The following is an entry in ClinVar:

NM_006767.4(LZTR1):c.865A>G (p.Met289Val)

Gene: LZTR1 (leucine zipper like post translational regulator 1; plus strand). Cytogenetic location: 22q11.21.
Variant type: single nucleotide variant.
Coding change: c.865A>G on transcript NM_006767.4 (MANE Select); coding-DNA position 865, A replaced by G.
Protein change: p.Met289Val; replaces methionine 289 with valine.
Molecular consequence: missense variant.
Genome position (GRCh38, 1-based): chr22:20,991,701, A>G. VCF-style: chr22-20991701-A-G. GRCh37 (hg19) VCF-style: chr22-21345990-A-G.
Other names: c.865A>G (NM_006767.3); short protein forms M289V.
Identifiers: ClinVar variation 1420690 (VCV001420690.7), dbSNP rs2147964929, ClinGen allele CA410781292.
Genomic context (GRCh38, chr22:20,991,701, plus strand): 5'-CCAACTGAACACCTGCTCCGGGGCTCCCCACCACCCCCGCAGCGGCGCTACGGGCATACC[A>G]TGGTGGCCTTTGACCGCCACCTCTATGTGTTTGGGGGTGCGGCCGACAACACGCTGCCCA-3'
Protein context (NP_006758.2, residues 279-299): PPPQRRYGHT[Met289Val]VAFDRHLYVF

ClinVar aggregate classification (germline): Uncertain significance. Review status: criteria provided, multiple submitters, no conflicts (2 of 4 stars). 2 submissions from 2 submitters: Uncertain significance (2). Last evaluated 2025-09-14.

Conditions:
Hereditary cancer-predisposing syndrome. Also called: Neoplastic Syndromes, Hereditary; Hereditary Cancer Syndrome; Hereditary neoplastic syndrome; Tumor predisposition. Identifiers: Orphanet 140162, MedGen C0027672, MeSH D009386, MONDO:0015356.
Cardiovascular phenotype. Identifiers: MedGen CN230736.

gnomAD v4.1: 4 of 1,599,660 alleles (0.00025%); highest among the groups gnomAD compares: Non-Finnish European, 0.00034%; no homozygotes.

Submissions (2):

Labcorp Genetics (formerly Invitae), Labcorp
Classification: Uncertain significance. Last evaluated: 2025-09-14. Review status: criteria provided, single submitter. Criteria: Invitae Variant Classification Sherloc (09022015). Collection method: clinical testing. Allele origin: germline.
Comment: This sequence change replaces methionine, which is neutral and non-polar, with valine, which is neutral and non-polar, at codon 289 of the LZTR1 protein (p.Met289Val). This variant is not present in population databases (gnomAD no frequency). This variant has not been reported in the literature in individuals affected with LZTR1-related conditions. ClinVar contains an entry for this variant (Variation ID: 1420690). Invitae Evidence Modeling of protein sequence and biophysical properties (such as structural, functional, and spatial information, amino acid conservation, physicochemical variation, residue mobility, and thermodynamic stability) indicates that this missense variant is not expected to disrupt LZTR1 protein function with a negative predictive value of 80%. In summary, the available evidence is currently insufficient to determine the role of this variant in disease. Therefore, it has been classified as a Variant of Uncertain Significance.

Ambry Genetics
Classification: Uncertain significance for Cardiovascular phenotype; Hereditary cancer-predisposing syndrome. Last evaluated: 2022-11-15. Review status: criteria provided, single submitter. Criteria: Ambry Variant Classification Scheme 2023. Collection method: clinical testing. Allele origin: germline.
Comment: The p.M289V variant (also known as c.865A>G), located in coding exon 9 of the LZTR1 gene, results from an A to G substitution at nucleotide position 865. The methionine at codon 289 is replaced by valine, an amino acid with highly similar properties. This amino acid position is conserved. In addition, the in silico prediction for this alteration is inconclusive. Since supporting evidence is limited at this time, the clinical significance of this alteration remains unclear.